The following is an entry in ClinVar:

NM_152383.5(DIS3L2):c.386A>G (p.Asn129Ser)

Gene: DIS3L2 (DIS3 like 3'-5' exoribonuclease 2; plus strand). Cytogenetic location: 2q37.1.
Variant type: single nucleotide variant.
Coding change: c.386A>G on transcript NM_152383.5 (MANE Select); coding-DNA position 386, A replaced by G.
Protein change: p.Asn129Ser; replaces asparagine 129 with serine.
Molecular consequence: missense variant. On other transcripts: non-coding transcript variant (2).
Genome position (GRCh38, 1-based): chr2:232,087,506, A>G. VCF-style: chr2-232087506-A-G. GRCh37 (hg19) VCF-style: chr2-232952216-A-G.
Other names: c.386A>G, p.Asn129Ser (NM_001257281.2, NM_001257282.2); short protein forms N129S.
Identifiers: ClinVar variation 648399 (VCV000648399.11), dbSNP rs1253191108, ClinGen allele CA351154853.

ClinVar aggregate classification (germline): Uncertain significance. Review status: criteria provided, multiple submitters, no conflicts (2 of 4 stars). 2 submissions from 2 submitters: Uncertain significance (2). Last evaluated 2025-08-28.

Conditions:
Perlman syndrome (PRLMNS). Identifiers: Orphanet 2849, MedGen C0796113, MONDO:0009965, OMIM 267000.
Inborn genetic diseases. Identifiers: MedGen C0950123, MeSH D030342.

Allele frequency attached by ClinVar (database versions not stated): gnomAD exomes below 0.00001 and 0.00001; TOPMed below 0.00001.
gnomAD v4.1: 7 of 1,613,468 alleles (0.00043%); highest among the groups gnomAD compares: African/African-American, 0.0027%; no homozygotes.

Submissions (2):

Ambry Genetics
Classification: Uncertain significance for Inborn genetic diseases. Last evaluated: 2025-08-28. Review status: criteria provided, single submitter. Criteria: Ambry Variant Classification Scheme 2023. Collection method: clinical testing. Allele origin: germline.

Labcorp Genetics (formerly Invitae), Labcorp
Classification: Uncertain significance for Perlman syndrome. Last evaluated: 2023-08-10. Review status: criteria provided, single submitter. Criteria: Invitae Variant Classification Sherloc (09022015). Collection method: clinical testing. Allele origin: germline.
Comment: This sequence change replaces asparagine, which is neutral and polar, with serine, which is neutral and polar, at codon 129 of the DIS3L2 protein (p.Asn129Ser). This variant is present in population databases (no rsID available, gnomAD 0.007%). This variant has not been reported in the literature in individuals affected with DIS3L2-related conditions. ClinVar contains an entry for this variant (Variation ID: 648399). Algorithms developed to predict the effect of missense changes on protein structure and function output the following: SIFT: "Not Available"; PolyPhen-2: "Benign"; Align-GVGD: "Not Available". The serine amino acid residue is found in multiple mammalian species, which suggests that this missense change does not adversely affect protein function. In summary, the available evidence is currently insufficient to determine the role of this variant in disease. Therefore, it has been classified as a Variant of Uncertain Significance.